The following is an entry in ClinVar:

ClinVar aggregate classification (germline): Likely benign. Review status: criteria provided, multiple submitters, no conflicts (2 of 4 stars). 2 submissions from 2 submitters: Likely benign (2). Last evaluated 2024-03-01.

Conditions:
Inborn genetic diseases. Identifiers: MedGen C0950123, MeSH D030342.

Allele frequency attached by ClinVar (database versions not stated): ExAC 0.00003; gnomAD 0.00008; TOPMed 0.00010; gnomAD exomes 0.00012.

Submissions (2):

CeGaT Center for Human Genetics Tuebingen
Classification: Likely benign. Last evaluated: 2024-03-01. Review status: criteria provided, single submitter. Criteria: CeGaT Center For Human Genetics Tuebingen Variant Classification Criteria Version 2. Collection method: clinical testing. Allele origin: germline. Affected: yes. Observed: 1 variant allele.
Comment: SYP: BP4, BS2

Ambry Genetics
Classification: Likely benign for Inborn genetic diseases. Last evaluated: 2023-03-20. Review status: criteria provided, single submitter. Criteria: Ambry Variant Classification Scheme 2023. Collection method: clinical testing. Allele origin: germline.

NM_003179.3(SYP):c.184G>A (p.Glu62Lys)

Gene: SYP (synaptophysin; minus strand). Cytogenetic location: Xp11.23.
Variant type: single nucleotide variant.
Coding change: c.184G>A on transcript NM_003179.3 (MANE Select); coding-DNA position 184, G replaced by A.
Protein change: p.Glu62Lys; replaces glutamic acid 62 with lysine.
Molecular consequence: missense variant.
Genome position (GRCh38, 1-based): chrX:49,197,758, C>T on the plus strand (G>A on the coding strand, the complement: SYP is on the minus strand). VCF-style: chrX-49197758-C-T. GRCh37 (hg19) VCF-style: chrX-49054217-C-T.
Other names: short protein forms E62K.
Identifiers: ClinVar variation 2512291 (VCV002512291.23), dbSNP rs782810430, ClinGen allele CA10409833.
Genomic context (GRCh38, chrX:49,197,758, plus strand): 5'-CCAGGGTGGGAGCACACCTGAAGGGGTACTCGAACTCGACCTCGATGCTGAGGTCACTCT[C>T]GGTCTTGTTGGCACAATCCACGCTCAGCTGGAGCTCCCCACTGTAGCTGCCGCATGTGGC-3'
Protein context (NP_003170.1, residues 52-72): QLSVDCANKT[Glu62Lys]SDLSIEVEFE